The following is an entry in ClinVar:

NM_016169.4(SUFU):c.1003C>T (p.Leu335Phe)

Gene: SUFU (SUFU negative regulator of hedgehog signaling; plus strand). Cytogenetic location: 10q24.32.
Variant type: single nucleotide variant.
Coding change: c.1003C>T on transcript NM_016169.4 (MANE Select); coding-DNA position 1003, C replaced by T.
Protein change: p.Leu335Phe; replaces leucine 335 with phenylalanine.
Molecular consequence: missense variant.
Genome position (GRCh38, 1-based): chr10:102,599,525, C>T. VCF-style: chr10-102599525-C-T. GRCh37 (hg19) VCF-style: chr10-104359282-C-T.
Other names: c.1003C>T, p.Leu335Phe (NM_001178133.2); short protein forms L335F.
Identifiers: ClinVar variation 1026114 (VCV001026114.14), dbSNP rs757401093, ClinGen allele CA5667832.
Genomic context (GRCh38, chr10:102,599,525, plus strand): 5'-GGACTCGAGATCAACAGCAAACCTGTCCTTCCACCAATCAACCCTCAGCGGCAGAATGGC[C>T]TCGCCCACGACCGGGCCCCGTAAGTTCCCCAGTGTCCCTGGGCTGGAACAAGAGGACGAC-3'
Protein context (NP_057253.2, residues 325-345): PPINPQRQNG[Leu335Phe]AHDRAPSRKD

ClinVar aggregate classification (germline): Conflicting classifications of pathogenicity. Review status: criteria provided, conflicting classifications (1 of 4 stars). 2 submissions from 2 submitters: Uncertain significance (1); Likely benign (1). Last evaluated 2026-07-08.

Conditions:
Gorlin syndrome. Also called: Nevoid Basal Cell Carcinoma Syndrome; Basal cell nevus syndrome. Identifiers: Orphanet 377, MedGen C0004779, MONDO:0007187.
Medulloblastoma (MDB). Also called: MEDULLOBLASTOMA PREDISPOSITION SYNDROME; Medulloblastoma, somatic. Identifiers: Orphanet 616, MedGen C0025149, MeSH D008527, MONDO:0007959, OMIM 155255, HP:0002885.
Hereditary cancer-predisposing syndrome. Also called: Tumor predisposition; Hereditary Cancer Syndrome; Hereditary neoplastic syndrome; Neoplastic Syndromes, Hereditary. Identifiers: Orphanet 140162, MedGen C0027672, MeSH D009386, MONDO:0015356.

Allele frequency attached by ClinVar (database versions not stated): gnomAD 0.00001; gnomAD exomes below 0.00001; ExAC 0.00001.
gnomAD v4.1: 2 of 1,614,080 alleles (0.00012%); highest among the groups gnomAD compares: Admixed American, 0.0017%; no homozygotes.

Submissions (2):

Ambry Genetics
Classification: Likely benign for Hereditary cancer-predisposing syndrome. Last evaluated: 2026-07-08. Review status: criteria provided, single submitter. Criteria: Ambry Variant Classification Scheme 2023. Collection method: clinical testing. Allele origin: germline.

Labcorp Genetics (formerly Invitae), Labcorp
Classification: Uncertain significance for Gorlin syndrome; Medulloblastoma. Last evaluated: 2025-01-28. Review status: criteria provided, single submitter. Criteria: Invitae Variant Classification Sherloc (09022015). Collection method: clinical testing. Allele origin: germline.
Comment: This sequence change replaces leucine, which is neutral and non-polar, with phenylalanine, which is neutral and non-polar, at codon 335 of the SUFU protein (p.Leu335Phe). The frequency data for this variant in the population databases is considered unreliable, as metrics indicate poor data quality at this position in the gnomAD database. This variant has not been reported in the literature in individuals affected with SUFU-related conditions. ClinVar contains an entry for this variant (Variation ID: 1026114). Invitae Evidence Modeling of protein sequence and biophysical properties (such as structural, functional, and spatial information, amino acid conservation, physicochemical variation, residue mobility, and thermodynamic stability) indicates that this missense variant is not expected to disrupt SUFU protein function with a negative predictive value of 80%. In summary, the available evidence is currently insufficient to determine the role of this variant in disease. Therefore, it has been classified as a Variant of Uncertain Significance.